The following is an entry in ClinVar:

ClinVar aggregate classification (germline): Pathogenic/Likely pathogenic. Review status: criteria provided, multiple submitters, no conflicts (2 of 4 stars). 2 submissions from 2 submitters: Pathogenic (1); Likely pathogenic (1). Last evaluated 2025-06-24.

Conditions:
Alstrom syndrome (ALMS). Identifiers: Orphanet 64, MedGen C0268425, MONDO:0008763, OMIM 203800.

Submissions (2):

Labcorp Genetics (formerly Invitae), Labcorp
Classification: Pathogenic for Alstrom syndrome. Last evaluated: 2025-06-24. Review status: criteria provided, single submitter. Criteria: Invitae Variant Classification Sherloc (09022015). Collection method: clinical testing. Allele origin: germline.
Comment: This sequence change creates a premature translational stop signal (p.Lys4109Serfs*8) in the ALMS1 gene. It is expected to result in an absent or disrupted protein product. Loss-of-function variants in ALMS1 are known to be pathogenic (PMID: 17594715). This variant is not present in population databases (gnomAD no frequency). This variant has not been reported in the literature in individuals affected with ALMS1-related conditions. ClinVar contains an entry for this variant (Variation ID: 1360628). For these reasons, this variant has been classified as Pathogenic.

AiLife Diagnostics
Classification: Likely pathogenic. Last evaluated: 2021-08-11. Review status: criteria provided, single submitter. Criteria: ACMG Guidelines, 2015. Collection method: clinical testing. Allele origin: germline. Affected: yes. Observed: 1 variant allele.

Literature cited by the submitters: PubMed 17594715 (cited by Labcorp Genetics (formerly Invitae), Labcorp).

NM_001378454.1(ALMS1):c.12323del (p.Lys4108fs)

Gene: ALMS1 (ALMS1 centrosome and basal body associated protein; plus strand). Cytogenetic location: 2p13.1.
Variant type: Deletion.
Coding change: c.12323del on transcript NM_001378454.1 (MANE Select); coding-DNA position 12323, one base deleted (A; older notation c.12323delA).
Protein change: p.Lys4108fs; shifts the reading frame from lysine 4108.
Molecular consequence: frameshift variant.
Genome position (GRCh38, 1-based): chr2:73,603,265, A deleted; the last of 2 consecutive A bases (chr2:73,603,264-73,603,265); deleting either gives the same sequence. VCF-style (leftmost placement, unchanged base first): chr2-73603263-CA-C. GRCh37 (hg19) VCF-style: chr2-73830390-CA-C.
Other names: c.12326del, p.Lys4109fs (NM_015120.4); short protein forms K4108fs, K4109fs.
Identifiers: ClinVar variation 1360628 (VCV001360628.7), dbSNP rs1675739925, ClinGen allele CA1032225187.